The following is an entry in ClinVar:

NM_006254.4(PRKCD):c.1743+2T>A

Gene: PRKCD (protein kinase C delta; plus strand). Cytogenetic location: 3p21.1.
Variant type: single nucleotide variant.
Coding change: c.1743+2T>A on transcript NM_006254.4 (MANE Select); the canonical splice donor site of the intron after coding-DNA position 1743, T replaced by A.
Molecular consequence: splice donor variant.
Genome position (GRCh38, 1-based): chr3:53,189,248, T>A. VCF-style: chr3-53189248-T-A. GRCh37 (hg19) VCF-style: chr3-53223264-T-A.
Other names: c.1743+2T>A (NM_001354680.2, NM_001354679.2, NM_212539.2 and 1 more transcripts); c.1800+2T>A (NM_001354676.2); c.1791+2T>A (NM_001354678.2).
Identifiers: ClinVar variation 2028257 (VCV002028257.4), dbSNP rs2471106746, ClinGen allele CA353224221.

ClinVar aggregate classification (germline): Likely pathogenic (1 of 4 stars; one submission).

Conditions:
Autoimmune lymphoproliferative syndrome, type III caused by mutation in PRKCD. Identifiers: Orphanet 3261, Orphanet 664711, MedGen C3809928, MONDO:8000024, OMIM 615559.

Submission:

Labcorp Genetics (formerly Invitae), Labcorp
Classification: Likely pathogenic for Autoimmune lymphoproliferative syndrome, type III caused by mutation in PRKCD. Last evaluated: 2022-08-31. Review status: criteria provided, single submitter. Criteria: Invitae Variant Classification Sherloc (09022015). Collection method: clinical testing. Allele origin: germline.
Comment: This variant is not present in population databases (gnomAD no frequency). In summary, the currently available evidence indicates that the variant is pathogenic, but additional data are needed to prove that conclusively. Therefore, this variant has been classified as Likely Pathogenic. Algorithms developed to predict the effect of sequence changes on RNA splicing suggest that this variant may disrupt the consensus splice site. This variant has not been reported in the literature in individuals affected with PRKCD-related conditions. This sequence change affects a donor splice site in intron 17 of the PRKCD gene. It is expected to disrupt RNA splicing. Variants that disrupt the donor or acceptor splice site typically lead to a loss of protein function (PMID: 16199547), and loss-of-function variants in PRKCD are known to be pathogenic (PMID: 11976687, 23319571, 23430113).

Literature cited by the submitters: PubMed 16199547; PubMed 11976687; PubMed 23319571; PubMed 23430113.